The following is an entry in ClinVar:

ClinVar aggregate classification (germline): Uncertain significance (1 of 4 stars; one submission).

Conditions:
Combined immunodeficiency due to STK4 deficiency (IMD110). Also called: T-cell immunodeficiency, recurrent infections, and autoimmunity with or without cardiac malformations; STK4 DEFICIENCY; MST1 DEFICIENCY. Identifiers: Orphanet 314689, MedGen C3553943, MONDO:0013934, OMIM 614868.

Allele frequency attached by ClinVar (database versions not stated): gnomAD exomes below 0.00001.
gnomAD v4.1: 1 of 1,613,640 alleles (0.000062%); highest among the groups gnomAD compares: Admixed American, 0.0017%; no homozygotes.

Submission:

Labcorp Genetics (formerly Invitae), Labcorp
Classification: Uncertain significance for Combined immunodeficiency due to STK4 deficiency. Last evaluated: 2021-06-03. Review status: criteria provided, single submitter. Criteria: Invitae Variant Classification Sherloc (09022015). Collection method: clinical testing. Allele origin: germline.
Comment: In summary, the available evidence is currently insufficient to determine the role of this variant in disease. Therefore, it has been classified as a Variant of Uncertain Significance. Algorithms developed to predict the effect of missense changes on protein structure and function are either unavailable or do not agree on the potential impact of this missense change (SIFT: "Not Available"; PolyPhen-2: "Benign"; Align-GVGD: "Not Available"). This variant has not been reported in the literature in individuals with STK4-related conditions. This variant is not present in population databases (ExAC no frequency). This sequence change replaces glutamine with proline at codon 13 of the STK4 protein (p.Gln13Pro). The glutamine residue is moderately conserved and there is a moderate physicochemical difference between glutamine and proline.

NM_006282.5(STK4):c.38A>C (p.Gln13Pro)

Gene: STK4 (serine/threonine kinase 4; plus strand). Cytogenetic location: 20q13.12.
Variant type: single nucleotide variant.
Coding change: c.38A>C on transcript NM_006282.5 (MANE Select); coding-DNA position 38, A replaced by C.
Protein change: p.Gln13Pro; replaces glutamine 13 with proline.
Molecular consequence: missense variant. On other transcripts: non-coding transcript variant (2).
Genome position (GRCh38, 1-based): chr20:44,972,080, A>C. VCF-style: chr20-44972080-A-C. GRCh37 (hg19) VCF-style: chr20-43600721-A-C.
Other names: c.38A>C, p.Gln13Pro (NM_001352385.2); short protein forms Q13P.
Identifiers: ClinVar variation 1481032 (VCV001481032.8), dbSNP rs1365819917, ClinGen allele CA409147174.